The following is an entry in ClinVar:

ClinVar aggregate classification (germline): Uncertain significance (1 of 4 stars; one submission).

Conditions:
Multiple endocrine neoplasia, type 1 (MEN1). Also called: MEN I; WERMER SYNDROME; Endocrine adenomatosis multiple; MEN 1; MEA I. Identifiers: Orphanet 652, MedGen C0025267, MeSH D018761, MONDO:0007540, OMIM 131100.

Submission:

Labcorp Genetics (formerly Invitae), Labcorp
Classification: Uncertain significance for Multiple endocrine neoplasia, type 1. Last evaluated: 2017-01-29. Review status: criteria provided, single submitter. Criteria: Invitae Variant Classification Sherloc (09022015). Collection method: clinical testing. Allele origin: germline.
Comment: In summary, this variant is a novel missense change with uncertain impact on protein function. It has been classified as a Variant of Uncertain Significance. Algorithms developed to predict the effect of missense changes on protein structure and function do not agree on the potential impact of this missense change (SIFT: "Deleterious"; PolyPhen-2: "Possibly Damaging"; Align-GVGD: "Class C0"). This variant is not present in population databases (ExAC no frequency) and has not been reported in the literature in individuals with a MEN1-related disease. This sequence change replaces glycine with cysteine at codon 507 of the MEN1 protein (p.Gly507Cys). The glycine residue is moderately conserved and there is a large physicochemical difference between glycine and cysteine.

NM_001370259.2(MEN1):c.1519G>T (p.Gly507Cys)

Gene: MEN1 (menin 1; minus strand). Cytogenetic location: 11q13.1.
Variant type: single nucleotide variant.
Coding change: c.1519G>T on transcript NM_001370259.2 (MANE Select); coding-DNA position 1519, G replaced by T.
Protein change: p.Gly507Cys; replaces glycine 507 with cysteine.
Molecular consequence: missense variant.
Genome position (GRCh38, 1-based): chr11:64,804,648, C>A on the plus strand (G>T on the coding strand, the complement: MEN1 is on the minus strand). VCF-style: chr11-64804648-C-A. GRCh37 (hg19) VCF-style: chr11-64572120-C-A.
Other names: c.1534G>T, p.Gly512Cys (NM_000244.4, NM_130800.3, NM_130801.3 and 3 more transcripts); c.1645G>T, p.Gly549Cys (NM_001370251.2); c.1519G>T, p.Gly507Cys (NM_001370260.2, NM_001370261.2, NM_130799.3); c.1414G>T, p.Gly472Cys (NM_001370262.2, NM_001370263.2); short protein forms G507C, G512C, G472C, G549C.
Identifiers: ClinVar variation 457304 (VCV000457304.8), dbSNP rs1423874145, ClinGen allele CA381178712.
Genomic context (GRCh38, chr11:64,804,648, plus strand): 5'-GGGCTGTGCCAGCGACAGTCCCAGGAGGCTTCCGGGGGGGTCCTGACACTGCACCCTGGC[C>A]GGTGCCCAGGCCCTTGTCCAGTGCTGGCTTCTTGGGCGGCGGGGGCTCCTCTGGCTTGGA-3'
Protein context (NP_001357188.2, residues 497-517): KPALDKGLGT[Gly507Cys]QGAVSGPPRK